The following is an entry in ClinVar:

ClinVar aggregate classification (germline): Uncertain significance (1 of 4 stars; one submission).

Conditions:
Inborn genetic diseases. Identifiers: MedGen C0950123, MeSH D030342.

Submission:

Ambry Genetics
Classification: Uncertain significance for Inborn genetic diseases. Last evaluated: 2018-03-19. Review status: criteria provided, single submitter. Criteria: Ambry Variant Classification Scheme 2023. Collection method: clinical testing. Allele origin: germline.
Comment: The p.R390C variant (also known as c.1168C>T), located in coding exon 12 of the PORCN gene, results from a C to T substitution at nucleotide position 1168. The arginine at codon 390 is replaced by cysteine, an amino acid with highly dissimilar properties. This amino acid position is well conserved in available vertebrate species. In addition, the in silico prediction for this alteration is inconclusive. Since supporting evidence is limited at this time, the clinical significance of this alteration remains unclear.

NM_203475.3(PORCN):c.1168C>T (p.Arg390Cys)

Gene: PORCN (porcupine O-acyltransferase; plus strand). Cytogenetic location: Xp11.23.
Variant type: single nucleotide variant.
Coding change: c.1168C>T on transcript NM_203475.3 (MANE Select); coding-DNA position 1168, C replaced by T.
Protein change: p.Arg390Cys; replaces arginine 390 with cysteine.
Molecular consequence: missense variant.
Genome position (GRCh38, 1-based): chrX:48,516,141, C>T. VCF-style: chrX-48516141-C-T. GRCh37 (hg19) VCF-style: chrX-48374529-C-T.
Other names: c.922C>T, p.Arg308Cys (NM_001282167.2); c.1135C>T, p.Arg379Cys (NM_022825.4); c.1153C>T, p.Arg385Cys (NM_203473.3); c.1150C>T, p.Arg384Cys (NM_203474.1); short protein forms R308C, R384C, R385C, R379C, R390C.
Identifiers: ClinVar variation 1738725 (VCV001738725.2), dbSNP rs2519483800, ClinGen allele CA412849231.
Genomic context (GRCh38, chrX:48,516,141, plus strand): 5'-CGGATCCTCAGTGCCTGTGTCTTGTCAAAGCGGTGCCCGCCAGACTGTTCGCACCAGCAT[C>T]GCTTGGTGAGGGTTCAGCCTGGGCAACCTTGTGCCCAACACTCCCTGTCAAAAATGTTCC-3'
Protein context (NP_982301.1, residues 380-400): RCPPDCSHQH[Arg390Cys]LGLGVRALNL